The following is an entry in ClinVar:

NM_001457.4(FLNB):c.3274G>T (p.Asp1092Tyr)

Gene: FLNB (filamin B; plus strand). Cytogenetic location: 3p14.3.
Variant type: single nucleotide variant.
Coding change: c.3274G>T on transcript NM_001457.4 (MANE Select); coding-DNA position 3274, G replaced by T.
Protein change: p.Asp1092Tyr; replaces aspartic acid 1092 with tyrosine.
Molecular consequence: missense variant.
Genome position (GRCh38, 1-based): chr3:58,123,240, G>T. VCF-style: chr3-58123240-G-T. GRCh37 (hg19) VCF-style: chr3-58108967-G-T.
Other names: c.3274G>T, p.Asp1092Tyr (NM_001164317.2, NM_001164318.2, NM_001164319.2); short protein forms D1092Y.
Identifiers: ClinVar variation 5006678 (VCV005006678.2).
Genomic context (GRCh38, chr3:58,123,240, plus strand): 5'-GGTCTGGGCTTAACGGTGGAAGGTCCGTGCGAGGCCAAAATCGAGTGCTCCGACAATGGT[G>T]ATGGGACCTGCTCCGTCTCTTACCTTCCCACAAAACCCGGGGAGTACTTCGTCAACATCC-3'
Protein context (NP_001448.2, residues 1082-1102): EAKIECSDNG[Asp1092Tyr]GTCSVSYLPT

ClinVar aggregate classification (germline): Uncertain significance (1 of 4 stars; one submission).

Conditions:
Spondylocarpotarsal synostosis syndrome (SCT). Also called: SPONDYLOCARPOTARSAL SYNDROME; VERTEBRAL FUSION WITH CARPAL COALITION; Spondylocarpotarsal Synostosis Syndrome (FLNB-SCT); Synspondylism congenital; Scoliosis, congenital with unilateral unsegmented bar. Identifiers: Orphanet 3275, MedGen C1848934, MONDO:0010094, OMIM 272460.
Boomerang dysplasia. Identifiers: Orphanet 1263, MedGen C0432201, MONDO:0007208, OMIM 112310.
Atelosteogenesis type I. Also called: SPONDYLOHUMEROFEMORAL HYPOPLASIA; GIANT CELL CHONDRODYSPLASIA; Atelosteogenesis Type 1 (FLNB-AO1). Identifiers: Orphanet 1190, MedGen C0265283, MONDO:0007167, OMIM 108720.
Atelosteogenesis type III. Also called: Atelosteogenesis Type 3 (FLNB-AO3). Identifiers: Orphanet 56305, MedGen C3668942, MONDO:0007168, OMIM 108721.
Larsen syndrome (LRS). Also called: Larsen syndrome (FLNB-LS); Bilateral dislocation of the knees, pes cavus, cylindrically shaped fingers and characteristic facies. Identifiers: Orphanet 503, MedGen C0175778, MONDO:0007875, OMIM 150250. Disease mechanism: loss of function.

Submission:

Juno Genomics, Hangzhou Juno Genomics, Inc
Classification: Uncertain significance for Atelosteogenesis type I; Atelosteogenesis type III; Boomerang dysplasia; Larsen syndrome; Spondylocarpotarsal synostosis syndrome. Review status: criteria provided, single submitter. Criteria: ACMG Guidelines, 2015. Collection method: clinical testing. Allele origin: germline.
Comment: Absent from controls (or at extremely low frequency if recessive) in Genome Aggregation Database.;Multiple lines of computational evidence support a deleterious effect on the gene or gene product.